The following is an entry in ClinVar:

ClinVar aggregate classification (germline): Benign/Likely benign. Review status: criteria provided, multiple submitters, no conflicts (2 of 4 stars). 4 submissions from 4 submitters: Benign (1); Likely benign (3). Last evaluated 2025-12-01.

Conditions:
COL4A2-related disorder. Also called: COL4A2-related disorders; COL4A2-related condition.

Allele frequency attached by ClinVar (database versions not stated): gnomAD exomes 0.00013 and 0.00033; gnomAD 0.00019 and 0.00020; TOPMed 0.00023; ExAC 0.00025; ESP Exome Variant Server 0.00032.

Submissions (4):

CeGaT Center for Human Genetics Tuebingen
Classification: Likely benign. Last evaluated: 2025-12-01. Review status: criteria provided, single submitter. Criteria: CeGaT Center For Human Genetics Tuebingen Variant Classification Criteria Version 2. Collection method: clinical testing. Allele origin: germline. Affected: yes. Observed: 1 variant allele.
Comment: COL4A2: BP4, BP7

PreventionGenetics, part of Exact Sciences
Classification: Likely benign for COL4A2-related condition. Last evaluated: 2025-11-21. Review status: criteria provided, single submitter. Criteria: ACMG Guidelines, 2015. Collection method: clinical testing. Allele origin: germline.
Comment: This variant is classified as likely benign based on ACMG/AMP sequence variant interpretation guidelines (Richards et al. 2015 PMID: 25741868, with internal and published modifications).

Labcorp Genetics (formerly Invitae), Labcorp
Classification: Benign. Last evaluated: 2025-10-13. Review status: criteria provided, single submitter. Criteria: Invitae Variant Classification Sherloc (09022015). Collection method: clinical testing. Allele origin: germline.

Blueprint Genetics
Classification: Likely benign. Last evaluated: 2024-06-28. Review status: criteria provided, single submitter. Criteria: ACMG Guidelines, 2015. Collection method: clinical testing. Allele origin: germline.

NM_001846.4(COL4A2):c.4464C>T (p.Ile1488=)

Genes: COL4A2-AS1 (COL4A2 antisense RNA 1; minus strand), COL4A2 (collagen type IV alpha 2 chain; plus strand). Cytogenetic location: 13q34.
Variant type: single nucleotide variant.
Coding change: c.4464C>T on transcript NM_001846.4 (MANE Select); coding-DNA position 4464, C replaced by T.
Protein change: p.Ile1488=; no amino-acid change (isoleucine 1488 retained).
Molecular consequence: synonymous variant.
Genome position (GRCh38, 1-based): chr13:110,506,476, C>T. VCF-style: chr13-110506476-C-T. GRCh37 (hg19) VCF-style: chr13-111158823-C-T.
Other names: c.4464C>T (NM_001846.3).
Identifiers: ClinVar variation 1628999 (VCV001628999.14), dbSNP rs149928079, ClinGen allele CA7050553.